The following is an entry in ClinVar:

NM_001369.3(DNAH5):c.11109C>A (p.Tyr3703Ter)

Gene: DNAH5 (dynein axonemal heavy chain 5; minus strand). Cytogenetic location: 5p15.2.
Variant type: single nucleotide variant.
Coding change: c.11109C>A on transcript NM_001369.3 (MANE Select); coding-DNA position 11109, C replaced by A.
Protein change: p.Tyr3703Ter; replaces tyrosine 3703 with a stop codon.
Molecular consequence: nonsense.
Genome position (GRCh38, 1-based): chr5:13,751,180, G>T on the plus strand (C>A on the coding strand, the complement: DNAH5 is on the minus strand). VCF-style: chr5-13751180-G-T. GRCh37 (hg19) VCF-style: chr5-13751289-G-T.
Other names: short protein forms Y3703*.
Identifiers: ClinVar variation 5012896 (VCV005012896.1).
Genomic context (GRCh38, chr5:13,751,180, plus strand): 5'-TAGACCTTTCATGGTGACAGTGAAGTCAATGATGGAGGTACGGGCACTTATCTCAGGGGT[G>T]TAGGCTGGGTTAGGCAATTTGGTGGTAATGTAGAGTCTAAAGCCATCCAACACATCTACT-3'

ClinVar aggregate classification (germline): Pathogenic (1 of 4 stars; one submission).

Conditions:
Primary ciliary dyskinesia 3. Identifiers: Orphanet 244, MedGen C1837618, MONDO:0012085, OMIM 608644.

Submission:

Myriad Genetics, Inc.
Classification: Pathogenic for Primary ciliary dyskinesia 3. Last evaluated: 2024-04-05. Review status: criteria provided, single submitter. Criteria: Myriad Autosomal Dominant, Autosomal Recessive and X-Linked Classification Criteria (2023). Collection method: clinical testing. Allele origin: unknown.
Comment: NM_001369.2(DNAH5):c.11109C>A(Y3703*) is expected to be pathogenic in the context of primary ciliary dyskinesia, DNAH5-related. This variant is predicted to lead to an abnormal or absent protein product due to the creation of a premature termination codon in DNAH5, a gene where loss-of-function variants are known to be pathogenic. Please note: this variant was assessed in the context of healthy population screening.